The following is an entry in ClinVar:

NM_007294.4(BRCA1):c.754C>T (p.Arg252Cys)

Gene: BRCA1 (BRCA1 DNA repair associated; minus strand). Cytogenetic location: 17q21.31.
Variant type: single nucleotide variant.
Coding change: c.754C>T on transcript NM_007294.4 (MANE Select); coding-DNA position 754, C replaced by T.
Protein change: p.Arg252Cys; replaces arginine 252 with cysteine.
Molecular consequence: missense variant. On other transcripts: non-coding transcript variant (1).
Genome position (GRCh38, 1-based): chr17:43,094,777, G>A on the plus strand (C>T on the coding strand, the complement: BRCA1 is on the minus strand). VCF-style: chr17-43094777-G-A. GRCh37 (hg19) VCF-style: chr17-41246794-G-A.
Other names: 873C>T; c.613C>T, p.Arg205Cys (NM_001407725.1, NM_001407726.1, NM_001407727.1 and 43 more transcripts); c.610C>T, p.Arg204Cys (NM_001407740.1, NM_001407741.1, NM_001407742.1 and 26 more transcripts); c.541C>T, p.Arg181Cys (NM_001407853.1, NM_001407894.1, NM_001407895.1 and 12 more transcripts); c.754C>T, p.Arg252Cys (NM_001407854.1, NM_001407858.1, NM_001407859.1 and 54 more transcripts); c.751C>T, p.Arg251Cys (NM_001407860.1, NM_001407861.1, NM_001407972.1 and 38 more transcripts); c.553C>T, p.Arg185Cys (NM_001407862.1, NM_001408474.1, NM_001408476.1); c.631C>T, p.Arg211Cys (NM_001407863.1, NM_001407919.1, NM_001407937.1 and 34 more transcripts); and 15 more; short protein forms R252C, R205C, R141C, R185C, R207C, R251C, R124C, R125C.
Identifiers: ClinVar variation 55688 (VCV000055688.31), dbSNP rs273902786, ClinGen allele CA003848.

ClinVar aggregate classification (germline): Conflicting classifications of pathogenicity. Review status: criteria provided, conflicting classifications (1 of 4 stars). 10 submissions from 10 submitters: Uncertain significance (3); Likely benign (3). 4 of the submissions do not count toward it. Last evaluated 2025-04-29.

Conditions:
Breast and/or ovarian cancer. Identifiers: MedGen CN221562.
Hereditary breast ovarian cancer syndrome. Also called: BRCA1- and BRCA2-Associated Hereditary Breast and Ovarian Cancer; Hereditary breast and ovarian cancer syndrome; Hereditary breast and ovarian cancer syndrome (HBOC); Breast and ovarian cancer; Hereditary breast and/or ovarian cancer syndrome; Hereditary breast and ovarian cancer. Identifiers: Orphanet 145, MedGen C0677776, MeSH D061325, MONDO:0003582. Disease mechanism: loss of function.
Hereditary cancer-predisposing syndrome. Also called: Hereditary Cancer Syndrome; Hereditary neoplastic syndrome; Neoplastic Syndromes, Hereditary; Tumor predisposition. Identifiers: Orphanet 140162, MedGen C0027672, MeSH D009386, MONDO:0015356.
Breast-ovarian cancer, familial, susceptibility to, 1 (BROVCA1). Also called: BRCA1 Hereditary Breast and Ovarian Cancer; OVARIAN CANCER, SUSCEPTIBILITY TO. Identifiers: Orphanet 145, MedGen C2676676, MONDO:0011450, OMIM 604370. Disease mechanism: loss of function.

Allele frequency attached by ClinVar (database versions not stated): gnomAD exomes below 0.00001.
gnomAD v4.1: 6 of 1,611,870 alleles (0.00037%); highest among the groups gnomAD compares: Non-Finnish European, 0.00034%; no homozygotes.

Submissions (10):

Women's Health and Genetics/Laboratory Corporation of America, LabCorp
Classification: Uncertain significance. Last evaluated: 2025-04-29. Review status: criteria provided, single submitter. Criteria: LabCorp Variant Classification Summary - May 2015. Collection method: clinical testing. Allele origin: germline.
Comment: Variant summary: BRCA1 c.754C>T (p.Arg252Cys) results in a non-conservative amino acid change in the encoded protein sequence. Three of five in-silico tools predict a damaging effect of the variant on protein function. The variant was absent in 249320 control chromosomes. The available data on variant occurrences in the general population are insufficient to allow any conclusion about variant significance. c.754C>T has been observed in individuals affected with Hereditary Breast and Ovarian Cancer without strong evidence for causality (e.g., Thirthagiri_2008, Bhaskaran_2019). These reports do not provide unequivocal conclusions about association of the variant with Hereditary Breast and Ovarian Cancer. At least one publication reports experimental evidence evaluating an impact on protein function, however, does not allow convincing conclusions about the variant effect (Starita_2015). The following publications have been ascertained in the context of this evaluation (PMID: 18627636, 25823446, 30702160, 28222693). ClinVar contains an entry for this variant (Variation ID: 55688). Based on the evidence outlined above, the variant was classified as uncertain significance.

Quest Diagnostics Nichols Institute San Juan Capistrano
Classification: Uncertain significance. Last evaluated: 2025-04-22. Review status: criteria provided, single submitter. Criteria: Quest Diagnostics criteria. Collection method: clinical testing. Allele origin: unknown.
Comment: The BRCA1 c.754C>T (p.Arg252Cys) variant has been reported in an individual affected with breast cancer (PMID: 32868316 (2020)) and in a family with a high risk of breast or ovarian cancer (PMID: 18627636 (2008)). One functional study observed the variant to have reduced E3 ligase activity compared to the wild type (PMID: 25823446 (2015)), however, further research is needed. This variant has not been reported in large, multi-ethnic general populations (Genome Aggregation Database). Analysis of this variant using bioinformatics tools for the prediction of the effect of amino acid changes on protein structure and function yielded predictions that this variant is benign. Based on the available information, we are unable to determine the clinical significance of this variant.

Labcorp Genetics (formerly Invitae), Labcorp
Classification: Uncertain significance for Hereditary breast ovarian cancer syndrome. Last evaluated: 2024-05-02. Review status: criteria provided, single submitter. Criteria: Invitae Variant Classification Sherloc (09022015). Collection method: clinical testing. Allele origin: germline.
Comment: This sequence change replaces arginine, which is basic and polar, with cysteine, which is neutral and slightly polar, at codon 252 of the BRCA1 protein (p.Arg252Cys). This variant is not present in population databases (gnomAD no frequency). This missense change has been observed in individual(s) with breast and/or ovarian cancer (PMID: 18627636, 30702160, 32868316). ClinVar contains an entry for this variant (Variation ID: 55688). Advanced modeling of protein sequence and biophysical properties (such as structural, functional, and spatial information, amino acid conservation, physicochemical variation, residue mobility, and thermodynamic stability) performed at Invitae indicates that this missense variant is not expected to disrupt BRCA1 protein function with a negative predictive value of 95%. RNA analysis performed to evaluate the impact of this missense change on mRNA splicing indicates it does not significantly alter splicing (Invitae). In summary, the available evidence is currently insufficient to determine the role of this variant in disease. Therefore, it has been classified as a Variant of Uncertain Significance.

University of Washington Department of Laboratory Medicine, University of Washington
Classification: Likely benign for Hereditary cancer-predisposing syndrome. Last evaluated: 2023-03-23. Review status: criteria provided, single submitter. Criteria: Dines et al. (Genet Med. 2020). Collection method: curation. Allele origin: germline.
Comment: Missense variant in a coldspot region where missense variants are very unlikely to be pathogenic (PMID:31911673).

BRCA1 coldspot (exon 11 using historical exon numbering). Reclassification based on statistical prior probability

Ambry Genetics
Classification: Likely benign for Hereditary cancer-predisposing syndrome. Last evaluated: 2019-09-30. Review status: criteria provided, single submitter. Criteria: Ambry Variant Classification Scheme 2023. Collection method: clinical testing. Allele origin: germline.

Color Diagnostics, LLC DBA Color Health
Classification: Likely benign for Hereditary cancer-predisposing syndrome. Last evaluated: 2017-06-19. Review status: criteria provided, single submitter. Criteria: ACMG Guidelines, 2015. Collection method: clinical testing. Allele origin: germline.

Counsyl
Classification: Uncertain significance for Breast-ovarian cancer, familial, susceptibility to, 1. Last evaluated: 2016-01-22. Review status: no assertion criteria provided. Collection method: clinical testing. Allele origin: unknown. Not counted in ClinVar's aggregate classification.

Breast Cancer Information Core (BIC) (BRCA1)
Classification: Uncertain significance for Breast-ovarian cancer, familial 1. Last evaluated: 2010-09-18. Review status: no assertion criteria provided. Collection method: clinical testing. Allele origin: germline. Affected: yes. Observed: 1 variant allele. Not counted in ClinVar's aggregate classification.

Sharing Clinical Reports Project (SCRP)
Classification: Uncertain significance for Breast-ovarian cancer, familial 1. Last evaluated: 2010-07-20. Review status: no assertion criteria provided. Collection method: clinical testing. Allele origin: germline. Not counted in ClinVar's aggregate classification.

Foulkes Cancer Genetics LDI, Lady Davis Institute for Medical Research
Classification: Uncertain significance for Breast and/or ovarian cancer. Review status: no assertion criteria provided. Collection method: clinical testing. Allele origin: germline. Study: The Canadian Open Genetics Repository (COGR). Not counted in ClinVar's aggregate classification.

Literature cited by the submitters: PubMed 18627636 (cited by 4 submitters); PubMed 25823446 (cited by Women's Health and Genetics/Laboratory Corporation of America, LabCorp and Quest Diagnostics Nichols Institute San Juan Capistrano); PubMed 30702160 (cited by 3 submitters); PubMed 28222693 (cited by Women's Health and Genetics/Laboratory Corporation of America, LabCorp); PubMed 31911673 (cited by Quest Diagnostics Nichols Institute San Juan Capistrano); PubMed 33087888 (cited by Quest Diagnostics Nichols Institute San Juan Capistrano); PubMed 35260053 (cited by Quest Diagnostics Nichols Institute San Juan Capistrano); PubMed 32868316 (cited by Quest Diagnostics Nichols Institute San Juan Capistrano and Labcorp Genetics (formerly Invitae), Labcorp).